The following is an entry in ClinVar:

ClinVar aggregate classification (germline): Uncertain significance. Review status: criteria provided, multiple submitters, no conflicts (2 of 4 stars). 2 submissions from 2 submitters: Uncertain significance (2). Last evaluated 2026-03-05.

Conditions:
Bardet-Biedl syndrome 2 (BBS2). Identifiers: Orphanet 110, MedGen C2936863, MONDO:0014432, OMIM 615981.
Bardet-Biedl syndrome (BBS). Identifiers: Orphanet 110, MedGen C0752166, MONDO:0015229.

Allele frequency attached by ClinVar (database versions not stated): gnomAD exomes below 0.00001.
gnomAD v4.1: 1 of 1,614,166 alleles (0.000062%); highest among the groups gnomAD compares: Non-Finnish European, 0.000085%; no homozygotes.

Submissions (2):

Mendelics
Classification: Uncertain significance for Bardet-Biedl syndrome 2. Last evaluated: 2026-03-05. Review status: criteria provided, single submitter. Criteria: ACMG Guidelines, 2015. Collection method: clinical testing. Allele origin: unknown.
Comment: The available evidence is insufficient to conclusively determine the role of this variant. Therefore, it is classified as a Variant of Uncertain Significance.

Labcorp Genetics (formerly Invitae), Labcorp
Classification: Uncertain significance for Bardet-Biedl syndrome. Last evaluated: 2022-01-05. Review status: criteria provided, single submitter. Criteria: Invitae Variant Classification Sherloc (09022015). Collection method: clinical testing. Allele origin: germline.
Comment: This sequence change replaces leucine, which is neutral and non-polar, with proline, which is neutral and non-polar, at codon 125 of the BBS2 protein (p.Leu125Pro). In summary, the available evidence is currently insufficient to determine the role of this variant in disease. Therefore, it has been classified as a Variant of Uncertain Significance. Algorithms developed to predict the effect of missense changes on protein structure and function (SIFT, PolyPhen-2, Align-GVGD) all suggest that this variant is likely to be disruptive. This missense change has been observed in individual(s) with retinitis pigmentosa (Invitae). In at least one individual the data is consistent with being in trans (on the opposite chromosome) from a pathogenic variant. This variant is not present in population databases (gnomAD no frequency).

NM_031885.5(BBS2):c.374T>C (p.Leu125Pro)

Gene: BBS2 (Bardet-Biedl syndrome 2; minus strand). Cytogenetic location: 16q13.
Variant type: single nucleotide variant.
Coding change: c.374T>C on transcript NM_031885.5 (MANE Select); coding-DNA position 374, T replaced by C.
Protein change: p.Leu125Pro; replaces leucine 125 with proline.
Molecular consequence: missense variant. On other transcripts: non-coding transcript variant (5).
Genome position (GRCh38, 1-based): chr16:56,511,256, A>G on the plus strand (T>C on the coding strand, the complement: BBS2 is on the minus strand). VCF-style: chr16-56511256-A-G. GRCh37 (hg19) VCF-style: chr16-56545168-A-G.
Other names: c.374T>C, p.Leu125Pro (NM_001377456.1); short protein forms L125P.
Identifiers: ClinVar variation 1352440 (VCV001352440.7), dbSNP rs2144181949, ClinGen allele CA395984501.